The following is an entry in ClinVar:

NM_004453.4(ETFDH):c.890G>T (p.Trp297Leu)

Gene: ETFDH (electron transfer flavoprotein dehydrogenase; plus strand). Cytogenetic location: 4q32.1.
Variant type: single nucleotide variant.
Coding change: c.890G>T on transcript NM_004453.4 (MANE Select); coding-DNA position 890, G replaced by T.
Protein change: p.Trp297Leu; replaces tryptophan 297 with leucine.
Molecular consequence: missense variant.
Genome position (GRCh38, 1-based): chr4:158,697,617, G>T. VCF-style: chr4-158697617-G-T. GRCh37 (hg19) VCF-style: chr4-159618769-G-T.
Other names: c.749G>T, p.Trp250Leu (NM_001281737.2); c.707G>T, p.Trp236Leu (NM_001281738.1); short protein forms W236L, W250L, W297L.
Identifiers: ClinVar variation 4815356 (VCV004815356.1).

ClinVar aggregate classification (germline): Likely pathogenic (1 of 4 stars; one submission).

Conditions:
Glutaric acidemia type 2C.

Submission:

Natera, Inc.
Classification: Likely pathogenic for Glutaric acidemia type 2C. Last evaluated: 2024-12-02. Review status: criteria provided, single submitter. Criteria: Natera Variant Classification Schema (03/2026). Collection method: clinical testing. Allele origin: germline.
Comment: The c.890G>T variant in ETFDH is a missense variant predicted to cause substitution of tryptophan to leucine at amino acid 297. This variant is rare in the general population with a frequency below the threshold expected for the associated phenotype(s). This variant has been observed in one or more individuals affected with the associated recessive disease, as either homozygous or compound heterozygous with a second variant (PMID: 36406819). Computational prediction algorithms indicate this variant is likely to affect gene or protein function. Given the available evidence, this variant is classified as Likely Pathogenic.

Literature cited by the submitters: PubMed 36406819.